The following is an entry in ClinVar:

NM_004082.5(DCTN1):c.3610-13_3612del

Gene: DCTN1 (dynactin subunit 1; minus strand). Cytogenetic location: 2p13.1.
Variant type: Deletion.
Coding change: c.3610-13_3612del on transcript NM_004082.5 (MANE Select); 13 bases into the intron before coding-DNA position 3610 through coding-DNA position 3612, 16 bases deleted (TCCCCTTCCCTAGGAT).
Molecular consequence: splice acceptor variant.
Genome position (GRCh38, 1-based): chr2:74,362,139-74,362,154, ATCCTAGGGAAGGGGA deleted on the plus strand (TCCCCTTCCCTAGGAT on the coding strand, the reverse complement: DCTN1 is on the minus strand). VCF-style (leftmost placement, unchanged base first): chr2-74362138-CATCCTAGGGAAGGGGA-C. GRCh37 (hg19) VCF-style: chr2-74589265-CATCCTAGGGAAGGGGA-C.
Other names: c.3484-13_3486del (NM_001190836.2); c.3541-13_3543del (NM_001378992.1); c.3559-13_3561del (NM_001378991.1); c.3535-13_3537del (NM_001135040.3); c.3589-13_3591del (NM_001190837.2); c.3193-13_3195del (NM_001135041.3); c.3208-13_3210del (NM_023019.4).
Identifiers: ClinVar variation 1445690 (VCV001445690.6), dbSNP rs2104389854, ClinGen allele CA2573135877.

ClinVar aggregate classification (germline): Uncertain significance (1 of 4 stars; one submission).

Conditions:
Amyotrophic lateral sclerosis type 1 (ALS1). Also called: AMYOTROPHIC LATERAL SCLEROSIS 1, FAMILIAL. Identifiers: Orphanet 803, MedGen C1862939, MONDO:0007103, OMIM 105400.
Perry syndrome. Also called: PARKINSONISM WITH ALVEOLAR HYPOVENTILATION AND MENTAL DEPRESSION. Identifiers: Orphanet 178509, MedGen C1868594, MONDO:0008201, OMIM 168605.
Neuronopathy, distal hereditary motor, type 7B. Also called: HMN VIIB; LOWER MOTOR NEURON DISEASE, DYNACTIN TYPE; NEURONOPATHY, DISTAL HEREDITARY MOTOR, AUTOSOMAL DOMINANT 14; NEURONOPATHY, DISTAL HEREDITARY MOTOR, HARDING TYPE VIIB; NEUROPATHY, DISTAL HEREDITARY MOTOR, HARDING TYPE VIIB; NEUROPATHY, DISTAL HEREDITARY MOTOR, WITH VOCAL CORD PARALYSIS, HARDING TYPE VIIB. Identifiers: Orphanet 139589, MedGen C1843315, MONDO:0011879, OMIM 607641.

Submission:

Labcorp Genetics (formerly Invitae), Labcorp
Classification: Uncertain significance for Amyotrophic lateral sclerosis type 1; Neuronopathy, distal hereditary motor, type 7B; Perry syndrome. Last evaluated: 2021-08-01. Review status: criteria provided, single submitter. Criteria: Invitae Variant Classification Sherloc (09022015). Collection method: clinical testing. Allele origin: germline.
Comment: This variant results in the deletion of part of exon 31 (c.3610-13_3612del) of the DCTN1 gene. It is expected to disrupt RNA splicing. Variants that disrupt the donor or acceptor splice site typically lead to a loss of protein function (PMID: 16199547), however the current clinical and genetic evidence is not sufficient to establish whether loss-of-function variants in DCTN1 cause disease. This variant is not present in population databases (ExAC no frequency). This variant has not been reported in the literature in individuals affected with DCTN1-related conditions. Algorithms developed to predict the effect of sequence changes on RNA splicing suggest that this variant may disrupt the consensus splice site. In summary, the available evidence is currently insufficient to determine the role of this variant in disease. Therefore, it has been classified as a Variant of Uncertain Significance.

Literature cited by the submitters: PubMed 16199547.